The following is an entry in ClinVar:

NM_022662.4(ANAPC1):c.1712A>C (p.Tyr571Ser)

Gene: ANAPC1 (anaphase promoting complex subunit 1; minus strand). Cytogenetic location: 2q13.
Variant type: single nucleotide variant.
Coding change: c.1712A>C on transcript NM_022662.4 (MANE Select); coding-DNA position 1712, A replaced by C.
Protein change: p.Tyr571Ser; replaces tyrosine 571 with serine.
Molecular consequence: missense variant.
Genome position (GRCh38, 1-based): chr2:111,847,804, T>G on the plus strand (A>C on the coding strand, the complement: ANAPC1 is on the minus strand). VCF-style: chr2-111847804-T-G. GRCh37 (hg19) VCF-style: chr2-112605381-T-G.
Other names: short protein forms Y571S.
Identifiers: ClinVar variation 3293722 (VCV003293722.11).

ClinVar aggregate classification (germline): Uncertain significance. Review status: criteria provided, multiple submitters, no conflicts (2 of 4 stars). 2 submissions from 2 submitters: Uncertain significance (2). Last evaluated 2025-05-01.

gnomAD v4.1: 62 of 1,605,884 alleles (0.0039%); highest among the groups gnomAD compares: Middle Eastern, 0.18%; no homozygotes.

Submissions (2):

CeGaT Center for Human Genetics Tuebingen
Classification: Uncertain significance. Last evaluated: 2025-05-01. Review status: criteria provided, single submitter. Criteria: CeGaT Center For Human Genetics Tuebingen Variant Classification Criteria Version 2. Collection method: clinical testing. Allele origin: germline. Affected: yes. Observed: 1 variant allele.
Comment: ANAPC1: PM2

Ambry Genetics
Classification: Uncertain significance. Last evaluated: 2024-05-02. Review status: criteria provided, single submitter. Criteria: Ambry Variant Classification Scheme 2023. Collection method: clinical testing. Allele origin: germline.